The following is an entry in ClinVar:

ClinVar aggregate classification (germline): Likely benign. Review status: criteria provided, multiple submitters, no conflicts (2 of 4 stars). 3 submissions from 3 submitters: Likely benign (3). Last evaluated 2025-11-03.

Allele frequency attached by ClinVar (database versions not stated): gnomAD exomes 0.00004 and 0.00006; gnomAD 0.00005 and 0.00006; TOPMed 0.00005; ExAC 0.00007.
gnomAD v4.1: 66 of 1,611,564 alleles (0.0041%); highest among the groups gnomAD compares: Middle Eastern, 0.049%; no homozygotes.

Submissions (3):

Labcorp Genetics (formerly Invitae), Labcorp
Classification: Likely benign. Last evaluated: 2025-11-03. Review status: criteria provided, single submitter. Criteria: Invitae Variant Classification Sherloc (09022015). Collection method: clinical testing. Allele origin: germline.

Blueprint Genetics
Classification: Likely benign. Last evaluated: 2024-10-31. Review status: criteria provided, single submitter. Criteria: ACMG Guidelines, 2015. Collection method: clinical testing. Allele origin: germline.

CeGaT Center for Human Genetics Tuebingen
Classification: Likely benign. Last evaluated: 2022-08-01. Review status: criteria provided, single submitter. Criteria: CeGaT Center For Human Genetics Tuebingen Variant Classification Criteria Version 2. Collection method: clinical testing. Allele origin: germline. Affected: yes. Observed: 1 variant allele.
Comment: ZNF341: BP4, BP7

NM_001282933.2(ZNF341):c.2367C>T (p.Pro789=)

Genes: ZNF341 (zinc finger protein 341; plus strand), ZNF341-AS1 (ZNF341 antisense RNA 1; minus strand). Cytogenetic location: 20q11.22.
Variant type: single nucleotide variant.
Coding change: c.2367C>T on transcript NM_001282933.2 (MANE Select); coding-DNA position 2367, C replaced by T.
Protein change: p.Pro789=; no amino-acid change (proline 789 retained).
Molecular consequence: synonymous variant. On other transcripts: non-coding transcript variant (1).
Genome position (GRCh38, 1-based): chr20:33,791,319, C>T. VCF-style: chr20-33791319-C-T. GRCh37 (hg19) VCF-style: chr20-32379125-C-T.
Other names: c.2097C>T, p.Pro699= (NM_001282935.2); c.2346C>T, p.Pro782= (NM_032819.5).
Identifiers: ClinVar variation 1569444 (VCV001569444.32), dbSNP rs767191039, ClinGen allele CA9819780.